The following is an entry in ClinVar:

ClinVar aggregate classification (germline): Uncertain significance (1 of 4 stars; one submission).

Allele frequency attached by ClinVar (database versions not stated): gnomAD exomes 0.00002; ExAC 0.00002.
gnomAD v4.1: 8 of 1,614,132 alleles (0.0005%); highest among the groups gnomAD compares: Admixed American, 0.0033%; no homozygotes.

Submission:

Labcorp Genetics (formerly Invitae), Labcorp
Classification: Uncertain significance. Last evaluated: 2021-08-30. Review status: criteria provided, single submitter. Criteria: Invitae Variant Classification Sherloc (09022015). Collection method: clinical testing. Allele origin: germline.
Comment: This sequence change replaces serine with leucine at codon 3664 of the LRP2 protein (p.Ser3664Leu). The serine residue is highly conserved and there is a large physicochemical difference between serine and leucine. This variant is present in population databases (rs768603773, ExAC 0.01%). This variant has not been reported in the literature in individuals affected with LRP2-related conditions. Advanced modeling of protein sequence and biophysical properties (such as structural, functional, and spatial information, amino acid conservation, physicochemical variation, residue mobility, and thermodynamic stability) performed at Invitae indicates that this missense variant is expected to disrupt LRP2 protein function. In summary, the available evidence is currently insufficient to determine the role of this variant in disease. Therefore, it has been classified as a Variant of Uncertain Significance.

NM_004525.3(LRP2):c.10991C>T (p.Ser3664Leu)

Gene: LRP2 (LDL receptor related protein 2; minus strand). Cytogenetic location: 2q31.1.
Variant type: single nucleotide variant.
Coding change: c.10991C>T on transcript NM_004525.3 (MANE Select); coding-DNA position 10991, C replaced by T.
Protein change: p.Ser3664Leu; replaces serine 3664 with leucine.
Molecular consequence: missense variant.
Genome position (GRCh38, 1-based): chr2:169,173,942, G>A on the plus strand (C>T on the coding strand, the complement: LRP2 is on the minus strand). VCF-style: chr2-169173942-G-A. GRCh37 (hg19) VCF-style: chr2-170030452-G-A.
Other names: short protein forms S3664L.
Identifiers: ClinVar variation 1403564 (VCV001403564.5), dbSNP rs768603773, ClinGen allele CA1953204.
Genomic context (GRCh38, chr2:169,173,942, plus strand): 5'-GCTCTGGTCATGCCTTGGTCCTCCCACAGGAACTTACTGCATTCTTCAATGGGCTCATCC[G>A]AGTGGTCTCCACAATCATTATCCACATCACACTTCCAGGCCTGCGGGATGCAGCGGCCAT-3'
Protein context (NP_004516.2, residues 3654-3674): CDVDNDCGDH[Ser3664Leu]DEPIEECMSS